The following is an entry in ClinVar:

NM_000535.7(PMS2):c.1077G>T (p.Leu359Phe)

Gene: PMS2 (PMS1 homolog 2, mismatch repair system component; minus strand). Cytogenetic location: 7p22.1.
Variant type: single nucleotide variant.
Coding change: c.1077G>T on transcript NM_000535.7 (MANE Select); coding-DNA position 1077, G replaced by T.
Protein change: p.Leu359Phe; replaces leucine 359 with phenylalanine.
Molecular consequence: missense variant. On other transcripts: non-coding transcript variant (1), intron variant (2).
Genome position (GRCh38, 1-based): chr7:5,989,867, C>A on the plus strand (G>T on the coding strand, the complement: PMS2 is on the minus strand). VCF-style: chr7-5989867-C-A. GRCh37 (hg19) VCF-style: chr7-6029498-C-A.
Other names: c.672G>T, p.Leu224Phe (NM_001322003.2, NM_001322004.2, NM_001322005.2 and 1 more transcripts); c.759G>T, p.Leu253Phe (NM_001322007.2, NM_001322008.2); c.144G>T, p.Leu48Phe (NM_001322011.2, NM_001322012.2); c.504G>T, p.Leu168Phe (NM_001322013.2); c.1077G>T, p.Leu359Phe (NM_001322014.2); c.768G>T, p.Leu256Phe (NM_001322015.2); c.583+2106G>T (NM_001322010.2); c.988+2106G>T (NM_001322006.2); short protein forms L224F, L359F, L253F, L48F, L168F, L256F.
Identifiers: ClinVar variation 1429586 (VCV001429586.8), dbSNP rs2128747810, ClinGen allele CA366742859.

ClinVar aggregate classification (germline): Uncertain significance (1 of 4 stars; one submission).

Conditions:
Hereditary nonpolyposis colorectal neoplasms. Identifiers: MedGen C0009405, MeSH D003123.

Submission:

Labcorp Genetics (formerly Invitae), Labcorp
Classification: Uncertain significance for Hereditary nonpolyposis colorectal neoplasms. Last evaluated: 2022-03-05. Review status: criteria provided, single submitter. Criteria: Invitae Variant Classification Sherloc (09022015). Collection method: clinical testing. Allele origin: germline.
Comment: In summary, the available evidence is currently insufficient to determine the role of this variant in disease. Therefore, it has been classified as a Variant of Uncertain Significance. Advanced modeling of protein sequence and biophysical properties (such as structural, functional, and spatial information, amino acid conservation, physicochemical variation, residue mobility, and thermodynamic stability) performed at Invitae indicates that this missense variant is not expected to disrupt PMS2 protein function. This variant has not been reported in the literature in individuals affected with PMS2-related conditions. This variant is not present in population databases (gnomAD no frequency). This sequence change replaces leucine, which is neutral and non-polar, with phenylalanine, which is neutral and non-polar, at codon 359 of the PMS2 protein (p.Leu359Phe).